The following is an entry in ClinVar:

NM_004006.3(DMD):c.93+2T>A

Gene: DMD (dystrophin; minus strand). Cytogenetic location: Xp21.1.
Variant type: single nucleotide variant.
Coding change: c.93+2T>A on transcript NM_004006.3 (MANE Select); the canonical splice donor site of the intron after coding-DNA position 93, T replaced by A.
Molecular consequence: splice donor variant.
Genome position (GRCh38, 1-based): chrX:33,020,137, A>T on the plus strand (T>A on the coding strand, the complement: DMD is on the minus strand). VCF-style: chrX-33020137-A-T. GRCh37 (hg19) VCF-style: chrX-33038254-A-T.
Other names: c.69+2T>A (NM_000109.4); c.81+2T>A (NM_004009.3); c.-277+2T>A (NM_004010.3).
Identifiers: ClinVar variation 804749 (VCV000804749.9), dbSNP rs1602765856, ClinGen allele CA412675208.

ClinVar aggregate classification (germline): Pathogenic/Likely pathogenic. Review status: criteria provided, multiple submitters, no conflicts (2 of 4 stars). 2 submissions from 2 submitters: Pathogenic (1); Likely pathogenic (1). Last evaluated 2024-11-03.

Conditions:
Duchenne muscular dystrophy (DMD). Also called: Duchenne Muscular Dystrophy (DMD); MUSCULAR DYSTROPHY, PSEUDOHYPERTROPHIC PROGRESSIVE, DUCHENNE TYPE. Identifiers: Orphanet 98896, MedGen C0013264, MONDO:0010679, OMIM 310200.

Submissions (2):

Labcorp Genetics (formerly Invitae), Labcorp
Classification: Pathogenic for Duchenne muscular dystrophy. Last evaluated: 2024-11-03. Review status: criteria provided, single submitter. Criteria: Invitae Variant Classification Sherloc (09022015). Collection method: clinical testing. Allele origin: germline.
Comment: This sequence change affects a donor splice site in intron 2 of the DMD gene. It is expected to disrupt RNA splicing. Variants that disrupt the donor or acceptor splice site typically lead to a loss of protein function (PMID: 16199547), and loss-of-function variants in DMD are known to be pathogenic (PMID: 16770791, 25007885). This variant is not present in population databases (gnomAD no frequency). Disruption of this splice site has been observed in individuals with Duchenne or Becker muscular dystrophy (PMID: 19937601, 27234031, 30827497, 34106991). ClinVar contains an entry for this variant (Variation ID: 804749). Algorithms developed to predict the effect of sequence changes on RNA splicing suggest that this variant may disrupt the consensus splice site. For these reasons, this variant has been classified as Pathogenic.

Athena Diagnostics
Classification: Likely pathogenic. Last evaluated: 2018-11-14. Review status: criteria provided, single submitter. Criteria: Athena Diagnostics Criteria. Collection method: clinical testing. Allele origin: germline.
Comment: The variant disrupts a canonical splice site, and is therefore predicted to result in the loss of a functional protein. Not found in the total gnomAD dataset, and the data is high quality (0/188911 chr).

Literature cited by the submitters: PubMed 16199547 (cited by Labcorp Genetics (formerly Invitae), Labcorp); PubMed 16770791 (cited by Labcorp Genetics (formerly Invitae), Labcorp); PubMed 25007885 (cited by Labcorp Genetics (formerly Invitae), Labcorp); PubMed 19937601 (cited by Labcorp Genetics (formerly Invitae), Labcorp); PubMed 27234031 (cited by Labcorp Genetics (formerly Invitae), Labcorp); PubMed 30827497 (cited by Labcorp Genetics (formerly Invitae), Labcorp); PubMed 34106991 (cited by Labcorp Genetics (formerly Invitae), Labcorp).